The following is an entry in ClinVar:

ClinVar aggregate classification (germline): Pathogenic (1 of 4 stars; one submission).

Conditions:
Neurofibromatosis, type 1 (NF1). Also called: VON RECKLINGHAUSEN DISEASE; NEUROFIBROMATOSIS, TYPE I, SOMATIC; Peripheral type neurofibromatosis; Neurofibromatosis, type I. Identifiers: Orphanet 636, MedGen C0027831, MONDO:0018975, OMIM 162200. Disease mechanism: loss of function.

Allele frequency attached by ClinVar (database versions not stated): TOPMed below 0.00001.

Submission:

Labcorp Genetics (formerly Invitae), Labcorp
Classification: Pathogenic for Neurofibromatosis, type 1. Last evaluated: 2017-05-29. Review status: criteria provided, single submitter. Criteria: Invitae Variant Classification Sherloc (09022015). Collection method: clinical testing. Allele origin: germline.
Comment: This sequence change affects an acceptor splice site in intron 7 of the NF1 gene. It is expected to disrupt RNA splicing and likely results in an absent or disrupted protein product. This variant is not present in population databases (ExAC no frequency). Algorithms developed to predict the effect of sequence changes on RNA splicing suggest that this variant may disrupt the consensus splice site, but this prediction has not been confirmed by published transcriptional studies. Donor and acceptor splice site variants typically lead to a loss of protein function (PMID: 16199547), and loss-of-function variants in NF1 are known to be pathogenic (PMID: 10712197, 23913538). For these reasons, this variant has been classified as Pathogenic. This variant has not been reported in the literature in individuals with an NF1-related disease. A different variant affecting this nucleotide (c.731-2A>G, referred to as IVS5-2A>G) has been reported to segregate with neurofibromatosis type I in a single family (PMID: 12746402). This suggests that this nucleotide is important for normal RNA splicing, and that other variants at this position may also be pathogenic.

Literature cited by the submitters: PubMed 16199547; PubMed 10712197; PubMed 23913538; PubMed 12746402.

NM_001042492.3(NF1):c.731-2A>T

Gene: NF1 (neurofibromin 1; plus strand). Cytogenetic location: 17q11.2.
Variant type: single nucleotide variant.
Coding change: c.731-2A>T on transcript NM_001042492.3 (MANE Select); the canonical splice acceptor site of the intron before coding-DNA position 731, A replaced by T.
Molecular consequence: splice acceptor variant.
Genome position (GRCh38, 1-based): chr17:31,182,506, A>T. VCF-style: chr17-31182506-A-T. GRCh37 (hg19) VCF-style: chr17-29509524-A-T.
Other names: c.731-2A>T (NM_000267.4, NM_001128147.3).
Identifiers: ClinVar variation 457836 (VCV000457836.3), dbSNP rs1555608924, ClinGen allele CA398990437.